The following is an entry in ClinVar:

NM_001041.4(SI):c.154C>T (p.Arg52Cys)

Gene: SI (sucrase-isomaltase; minus strand). Cytogenetic location: 3q26.1.
Variant type: single nucleotide variant.
Coding change: c.154C>T on transcript NM_001041.4 (MANE Select); coding-DNA position 154, C replaced by T.
Protein change: p.Arg52Cys; replaces arginine 52 with cysteine.
Molecular consequence: missense variant.
Genome position (GRCh38, 1-based): chr3:165,074,632, G>A on the plus strand (C>T on the coding strand, the complement: SI is on the minus strand). VCF-style: chr3-165074632-G-A. GRCh37 (hg19) VCF-style: chr3-164792420-G-A.
Other names: short protein forms R52C.
Identifiers: ClinVar variation 2077422 (VCV002077422.2), dbSNP rs749466707, ClinGen allele CA2691601.
Genomic context (GRCh38, chr3:165,074,632, plus strand): 5'-TGACAGGATCATTTAACACATTTGGACATTTTCCTGAATCAGAAGGATTTGTAGTCACAC[G>A]AGTAGTAGCTGGAGTTGAAGTAGAATCACTAATTTCTGGGGGAGGAAAAAACTCAATAAA-3'
Protein context (NP_001032.2, residues 42-62): SDSTSTPATT[Arg52Cys]VTTNPSDSGK

ClinVar aggregate classification (germline): Uncertain significance. Review status: criteria provided, multiple submitters, no conflicts (2 of 4 stars). 2 submissions from 2 submitters: Uncertain significance (2). Last evaluated 2024-02-28.

Conditions:
Sucrase-isomaltase deficiency (CSID). Also called: SI DEFICIENCY; Congenital sucrose isomaltose malabsorption; Sucrose isomaltose enzyme deficiency; Deficiency of isomaltase. Identifiers: Orphanet 35122, MedGen C1283620, MONDO:0009114, OMIM 222900.

Allele frequency attached by ClinVar (database versions not stated): TOPMed below 0.00001.

Submissions (2):

Fulgent Genetics
Classification: Uncertain significance for Sucrase-isomaltase deficiency. Last evaluated: 2024-02-28. Review status: criteria provided, single submitter. Criteria: ACMG Guidelines, 2015. Collection method: clinical testing. Allele origin: germline.

Labcorp Genetics (formerly Invitae), Labcorp
Classification: Uncertain significance. Last evaluated: 2022-04-11. Review status: criteria provided, single submitter. Criteria: Invitae Variant Classification Sherloc (09022015). Collection method: clinical testing. Allele origin: germline.
Comment: This sequence change replaces arginine, which is basic and polar, with cysteine, which is neutral and slightly polar, at codon 52 of the SI protein (p.Arg52Cys). This variant is present in population databases (rs749466707, gnomAD 0.003%). This variant has not been reported in the literature in individuals affected with SI-related conditions. Advanced modeling of protein sequence and biophysical properties (such as structural, functional, and spatial information, amino acid conservation, physicochemical variation, residue mobility, and thermodynamic stability) performed at Invitae indicates that this missense variant is not expected to disrupt SI protein function. In summary, the available evidence is currently insufficient to determine the role of this variant in disease. Therefore, it has been classified as a Variant of Uncertain Significance.